The following is an entry in ClinVar:

ClinVar aggregate classification (germline): Pathogenic. Review status: criteria provided, multiple submitters, no conflicts (2 of 4 stars). 3 submissions from 3 submitters: Pathogenic (3). Last evaluated 2025-02-24.

Conditions:
Severe early-childhood-onset retinal dystrophy (STGD1). Also called: Stargardt macular dystrophy; Juvenile onset macular degeneration; Stargardt disease 1; MACULAR DYSTROPHY WITH FLECKS, TYPE 1; STGD. Identifiers: Orphanet 364055, Orphanet 827, MedGen C1855465, MeSH D000080362, MONDO:0009549, OMIM 248200.

Submissions (3):

Labcorp Genetics (formerly Invitae), Labcorp
Classification: Pathogenic. Last evaluated: 2025-02-24. Review status: criteria provided, single submitter. Criteria: Invitae Variant Classification Sherloc (09022015). Collection method: clinical testing. Allele origin: germline.
Comment: This sequence change creates a premature translational stop signal (p.Thr1346Glyfs*75) in the ABCA4 gene. It is expected to result in an absent or disrupted protein product. Loss-of-function variants in ABCA4 are known to be pathogenic (PMID: 10958761, 24938718, 25312043, 26780318). This variant is not present in population databases (gnomAD no frequency). This premature translational stop signal has been observed in individual(s) with retinal disease (PMID: 19365591, 28947085). ClinVar contains an entry for this variant (Variation ID: 801510). For these reasons, this variant has been classified as Pathogenic.

Ocular Genomics Institute, Massachusetts Eye and Ear
Classification: Pathogenic for Severe early-childhood-onset retinal dystrophy. Last evaluated: 2021-04-08. Review status: criteria provided, single submitter. Criteria: ACMG Guidelines, 2015. Collection method: research. Allele origin: germline. Affected: yes.
Comment: Through a review of available evidence we were able to apply the following criteria: PVS1, PM2, PM3, PP1. Based on this evidence we have classified this variant as Pathogenic.

Mendelics
Classification: Pathogenic for Severe early-childhood-onset retinal dystrophy. Last evaluated: 2019-05-28. Review status: criteria provided, single submitter. Criteria: Mendelics Assertion Criteria 2017. Collection method: clinical testing. Allele origin: unknown.

Literature cited by the submitters: PubMed 10958761 (cited by Labcorp Genetics (formerly Invitae), Labcorp); PubMed 24938718 (cited by Labcorp Genetics (formerly Invitae), Labcorp); PubMed 25312043 (cited by Labcorp Genetics (formerly Invitae), Labcorp); PubMed 26780318 (cited by Labcorp Genetics (formerly Invitae), Labcorp); PubMed 19365591 (cited by Labcorp Genetics (formerly Invitae), Labcorp and Ocular Genomics Institute, Massachusetts Eye and Ear); PubMed 28947085 (cited by Labcorp Genetics (formerly Invitae), Labcorp and Ocular Genomics Institute, Massachusetts Eye and Ear).

NM_000350.3(ABCA4):c.4036_4037del (p.Thr1346fs)

Gene: ABCA4 (ATP binding cassette subfamily A member 4; minus strand). Cytogenetic location: 1p22.1.
Variant type: Microsatellite.
Coding change: c.4036_4037del on transcript NM_000350.3 (MANE Select); coding-DNA positions 4036 to 4037, 2 bases deleted (AC; older notation c.4036_4037delAC).
Protein change: p.Thr1346fs; shifts the reading frame from threonine 1346.
Molecular consequence: frameshift variant.
Genome position (GRCh38, 1-based): chr1:94,031,869-94,031,870, GT deleted on the plus strand (AC on the coding strand, the reverse complement: ABCA4 is on the minus strand); deleting any 2 consecutive bases within chr1:94,031,869-94,031,872 gives the same sequence; the c. name uses the placement nearest the transcript's 3' end. VCF-style (leftmost placement, unchanged base first): chr1-94031868-CGT-C. GRCh37 (hg19) VCF-style: chr1-94497424-CGT-C.
Other names: c.3812_3813AC[1], p.Thr1272Glyfs (NM_001425324.1); short protein forms T1346fs.
Identifiers: ClinVar variation 801510 (VCV000801510.9), dbSNP rs61751401, ClinGen allele CA645372196.